The following is an entry in ClinVar:

NM_153252.5(BRWD3):c.4186del (p.Gln1396fs)

Gene: BRWD3 (bromodomain and WD repeat domain containing 3; minus strand). Cytogenetic location: Xq21.1.
Variant type: Deletion.
Coding change: c.4186del on transcript NM_153252.5 (MANE Select); coding-DNA position 4186, one base deleted (C; older notation c.4186delC).
Protein change: p.Gln1396fs; shifts the reading frame from glutamine 1396.
Molecular consequence: frameshift variant.
Genome position (GRCh38, 1-based): chrX:80,684,057, G deleted on the plus strand (C on the coding strand, the reverse complement: BRWD3 is on the minus strand); the first of 2 consecutive G bases (chrX:80,684,057-80,684,058); deleting either gives the same sequence. VCF-style (leftmost placement, unchanged base first): chrX-80684056-TG-T. GRCh37 (hg19) VCF-style: chrX-79939555-TG-T.
Other names: short protein forms Q1396fs.
Identifiers: ClinVar variation 3393443 (VCV003393443.2).

ClinVar aggregate classification (germline): Likely pathogenic (1 of 4 stars; one submission).

Conditions:
Intellectual developmental disorder, X-linked 93. Also called: MENTAL RETARDATION, X-LINKED, WITH MACROCEPHALY; Intellectual disability, X-linked 93. Identifiers: MedGen C1970841, MONDO:0010393, OMIM 300659.

Submission:

Molecular Genetics Laboratory, Motol Hospital
Classification: Likely pathogenic for Intellectual developmental disorder, X-linked 93. Last evaluated: 2024-12-27. Review status: criteria provided, single submitter. Criteria: ACMG Guidelines, 2015. Collection method: clinical testing. Allele origin: germline. Affected: yes. Observed: 1 variant allele.
Comment: Rare truncating variants affecting the BRWD3 gene are documented as a molecular cause of "X-linked intellectual developmental disorder-93" (XLID93; OMIM:300659; PMID:17668385;36514184;24462886;23425632). To conclude, the variant is classified as likely pathogenic (ACMG PVS1, PM2).

Literature cited by the submitters: PubMed 17668385; PubMed 36514184; PubMed 24462886; PubMed 23425632.